The following is an entry in ClinVar:

ClinVar aggregate classification (germline): Likely benign (1 of 4 stars; one submission).

Submission:

Biesecker Lab/Clinical Genomics Section, National Institutes of Health
Classification: Likely benign. Last evaluated: 2013-06-24. Review status: criteria provided, single submitter. Criteria: Ng et al. (Circ Cardiovasc Genet. 2013). Collection method: research. Allele origin: unknown. Observed: 2 variant alleles. Study: ClinSeq.
Comment: The study set was not selected for affection status in relation to any cancer. Pathogenicity categories were based on literature curation. See Pubmed ID:23861362 for details.

Medical sequencing

NM_024422.6(DSC2):c.2392C>A (p.Arg798=)

Gene: DSC2 (desmocollin 2; minus strand). Cytogenetic location: 18q12.1.
Variant type: single nucleotide variant.
Coding change: c.2392C>A on transcript NM_024422.6 (MANE Select); coding-DNA position 2392, C replaced by A.
Protein change: p.Arg798=; no amino-acid change (arginine 798 retained).
Molecular consequence: synonymous variant.
Genome position (GRCh38, 1-based): chr18:31,069,010, G>T on the plus strand (C>A on the coding strand, the complement: DSC2 is on the minus strand). VCF-style: chr18-31069010-G-T. GRCh37 (hg19) VCF-style: chr18-28648976-G-T.
Other names: c.2392C>A, p.Arg798= (NM_004949.5).
Identifiers: ClinVar variation 192114 (VCV000192114.1), dbSNP rs201548399, ClinGen allele CA022694.
Genomic context (GRCh38, chr18:31,069,010, plus strand): 5'-TGTCCACCTCCGTGTGTCCTCCCCTGCAGGAGTCCAGGGTGTGATGGTGGCCAGCCCCCC[G>T]GCAGGATTCCGAGGTCTGGTGTCCTCCTTTCACCATTTCGATGGTCTCCTGACCTCCGTT-3'
Protein context (NP_077740.1, residues 788-808): KGGHQTSESC[Arg798=]GAGHHHTLDS